The following is an entry in ClinVar:

ClinVar aggregate classification (germline): Uncertain significance (1 of 4 stars; one submission).

Conditions:
Tuberous sclerosis 2 (TSC2). Identifiers: Orphanet 805, MedGen C1860707, MONDO:0013199, OMIM 613254.

Submission:

Labcorp Genetics (formerly Invitae), Labcorp
Classification: Uncertain significance for Tuberous sclerosis 2. Last evaluated: 2024-04-15. Review status: criteria provided, single submitter. Criteria: Invitae Variant Classification Sherloc (09022015). Collection method: clinical testing. Allele origin: germline.
Comment: This sequence change replaces glutamic acid, which is acidic and polar, with glycine, which is neutral and non-polar, at codon 1343 of the TSC2 protein (p.Glu1343Gly). This variant is not present in population databases (gnomAD no frequency). This variant has not been reported in the literature in individuals affected with TSC2-related conditions. ClinVar contains an entry for this variant (Variation ID: 1009958). Advanced modeling of protein sequence and biophysical properties (such as structural, functional, and spatial information, amino acid conservation, physicochemical variation, residue mobility, and thermodynamic stability) performed at Invitae indicates that this missense variant is not expected to disrupt TSC2 protein function with a negative predictive value of 95%. In summary, the available evidence is currently insufficient to determine the role of this variant in disease. Therefore, it has been classified as a Variant of Uncertain Significance.

NM_000548.5(TSC2):c.4028A>G (p.Glu1343Gly)

Gene: TSC2 (TSC complex subunit 2; plus strand). Cytogenetic location: 16p13.3.
Variant type: single nucleotide variant.
Coding change: c.4028A>G on transcript NM_000548.5 (MANE Select); coding-DNA position 4028, A replaced by G.
Protein change: p.Glu1343Gly; replaces glutamic acid 1343 with glycine.
Molecular consequence: missense variant.
Genome position (GRCh38, 1-based): chr16:2,084,250, A>G. VCF-style: chr16-2084250-A-G. GRCh37 (hg19) VCF-style: chr16-2134251-A-G.
Other names: c.3827A>G, p.Glu1276Gly (NM_001077183.3); c.3959A>G, p.Glu1320Gly (NM_001114382.3); c.3719A>G, p.Glu1240Gly (NM_001318827.2); c.3683A>G, p.Glu1228Gly (NM_001318829.2); c.3296A>G, p.Glu1099Gly (NM_001318831.2); c.3860A>G, p.Glu1287Gly (NM_001318832.2); c.3830A>G, p.Glu1277Gly (NM_001363528.2); c.3896A>G, p.Glu1299Gly (NM_001370404.1); and 1 more; short protein forms E1099G, E1228G, E1240G, E1276G, E1277G, E1287G, E1299G, E1300G.
Identifiers: ClinVar variation 1009958 (VCV001009958.9), dbSNP rs2090481775, ClinGen allele CA394299237.